The following is an entry in ClinVar:

NM_004304.5(ALK):c.2156C>T (p.Pro719Leu)

Gene: ALK (ALK receptor tyrosine kinase; minus strand). Cytogenetic location: 2p23.2.
Variant type: single nucleotide variant.
Coding change: c.2156C>T on transcript NM_004304.5 (MANE Select); coding-DNA position 2156, C replaced by T.
Protein change: p.Pro719Leu; replaces proline 719 with leucine.
Molecular consequence: missense variant.
Genome position (GRCh38, 1-based): chr2:29,251,153, G>A on the plus strand (C>T on the coding strand, the complement: ALK is on the minus strand). VCF-style: chr2-29251153-G-A. GRCh37 (hg19) VCF-style: chr2-29474019-G-A.
Other names: short protein forms P719L.
Identifiers: ClinVar variation 1786820 (VCV001786820.7), dbSNP rs1664805613, ClinGen allele CA346476844.

ClinVar aggregate classification (germline): Uncertain significance. Review status: criteria provided, multiple submitters, no conflicts (2 of 4 stars). 2 submissions from 2 submitters: Uncertain significance (2). Last evaluated 2022-07-11.

Conditions:
Hereditary cancer-predisposing syndrome. Also called: Tumor predisposition; Neoplastic Syndromes, Hereditary; Hereditary Cancer Syndrome; Hereditary neoplastic syndrome. Identifiers: Orphanet 140162, MedGen C0027672, MeSH D009386, MONDO:0015356.
Neuroblastoma, susceptibility to, 3. Also called: ALK-Related Neuroblastic Tumor Susceptibility. Identifiers: Orphanet 635, MedGen C2751681, MONDO:0013083, OMIM 613014.

Submissions (2):

Ambry Genetics
Classification: Uncertain significance for Hereditary cancer-predisposing syndrome. Last evaluated: 2022-07-11. Review status: criteria provided, single submitter. Criteria: Ambry Variant Classification Scheme 2023. Collection method: clinical testing. Allele origin: germline.
Comment: The p.P719L variant (also known as c.2156C>T), located in coding exon 12 of the ALK gene, results from a C to T substitution at nucleotide position 2156. The proline at codon 719 is replaced by leucine, an amino acid with similar properties. This amino acid position is conserved. In addition, the in silico prediction for this alteration is inconclusive. Since supporting evidence is limited at this time, the clinical significance of this alteration remains unclear.

Labcorp Genetics (formerly Invitae), Labcorp
Classification: Uncertain significance for Neuroblastoma, susceptibility to, 3. Last evaluated: 2022-06-14. Review status: criteria provided, single submitter. Criteria: Invitae Variant Classification Sherloc (09022015). Collection method: clinical testing. Allele origin: germline.
Comment: This variant has not been reported in the literature in individuals affected with ALK-related conditions. This sequence change replaces proline, which is neutral and non-polar, with leucine, which is neutral and non-polar, at codon 719 of the ALK protein (p.Pro719Leu). This variant is not present in population databases (gnomAD no frequency). Algorithms developed to predict the effect of missense changes on protein structure and function (SIFT, PolyPhen-2, Align-GVGD) all suggest that this variant is likely to be tolerated. In summary, the available evidence is currently insufficient to determine the role of this variant in disease. Therefore, it has been classified as a Variant of Uncertain Significance.